The following is an entry in ClinVar:

ClinVar aggregate classification (germline): Uncertain significance (1 of 4 stars; one submission).

Allele frequency attached by ClinVar (database versions not stated): gnomAD exomes below 0.00001; gnomAD 0.00001.
gnomAD v4.1: 2 of 1,614,220 alleles (0.00012%); highest among the groups gnomAD compares: Middle Eastern, 0.016%; no homozygotes.

Submission:

Ambry Genetics
Classification: Uncertain significance. Last evaluated: 2024-06-20. Review status: criteria provided, single submitter. Criteria: Ambry Variant Classification Scheme 2023. Collection method: clinical testing. Allele origin: germline.
Comment: The p.R346K variant (also known as c.1037G>A), located in coding exon 3 of the ALPK2 gene, results from a G to A substitution at nucleotide position 1037. The arginine at codon 346 is replaced by lysine, an amino acid with highly similar properties. This amino acid position is conserved. In addition, this alteration is predicted to be tolerated by in silico analysis. Since supporting evidence is limited at this time, the clinical significance of this alteration remains unclear.

NM_052947.4(ALPK2):c.1037G>A (p.Arg346Lys)

Genes: ALPK2 (alpha kinase 2; minus strand), LOC114803473 (ALPK2 eExon liver enhancer; plus strand). Cytogenetic location: 18q21.31.
Variant type: single nucleotide variant.
Coding change: c.1037G>A on transcript NM_052947.4 (MANE Select); coding-DNA position 1037, G replaced by A.
Protein change: p.Arg346Lys; replaces arginine 346 with lysine.
Molecular consequence: missense variant.
Genome position (GRCh38, 1-based): chr18:58,579,739, C>T on the plus strand (G>A on the coding strand, the complement: ALPK2 is on the minus strand). VCF-style: chr18-58579739-C-T. GRCh37 (hg19) VCF-style: chr18-56246971-C-T.
Other names: short protein forms R346K.
Identifiers: ClinVar variation 1772926 (VCV001772926.3), dbSNP rs2144198724, ClinGen allele CA402564995.